The following is an entry in ClinVar:

NM_000136.3(FANCC):c.-48G>A

Gene: FANCC (FA complementation group C; minus strand). Cytogenetic location: 9q22.32.
Variant type: single nucleotide variant.
Coding change: c.-48G>A on transcript NM_000136.3 (MANE Select); 48 bases upstream of the start codon, G replaced by A.
Molecular consequence: 5 prime UTR variant.
Genome position (GRCh38, 1-based): chr9:95,249,339, C>T on the plus strand (G>A on the coding strand, the complement: FANCC is on the minus strand). VCF-style: chr9-95249339-C-T. GRCh37 (hg19) VCF-style: chr9-98011621-C-T.
Other names: c.-48G>A (NM_001243743.2, NM_001243744.2).
Identifiers: ClinVar variation 509402 (VCV000509402.11), dbSNP rs1283535718, ClinGen allele CA589584368.

ClinVar aggregate classification (germline): Likely benign. Review status: criteria provided, multiple submitters, no conflicts (2 of 4 stars). 2 submissions from 2 submitters: Likely benign (2). Last evaluated 2025-02-02.

Conditions:
Fanconi anemia (FA). Also called: Fanconi's anemia. Identifiers: Orphanet 84, MedGen C0015625, MeSH D005199, MONDO:0019391.

Allele frequency attached by ClinVar (database versions not stated): gnomAD exomes below 0.00001; gnomAD 0.00001; TOPMed 0.00001.
gnomAD v4.1: 3 of 1,580,954 alleles (0.00019%); highest among the groups gnomAD compares: Non-Finnish European, 0.00026%; no homozygotes.

Submissions (2):

Labcorp Genetics (formerly Invitae), Labcorp
Classification: Likely benign for Fanconi anemia. Last evaluated: 2025-02-02. Review status: criteria provided, single submitter. Criteria: Invitae Variant Classification Sherloc (09022015). Collection method: clinical testing. Allele origin: germline.

GeneDx
Classification: Likely benign. Last evaluated: 2017-05-05. Review status: criteria provided, single submitter. Criteria: GeneDx Variant Classification (06012015). Collection method: clinical testing. Allele origin: germline. Affected: yes.
Comment: This variant is considered likely benign or benign based on one or more of the following criteria: it is a conservative change, it occurs at a poorly conserved position in the protein, it is predicted to be benign by multiple in silico algorithms, and/or has population frequency not consistent with disease.